The following is an entry in ClinVar:

NM_004304.5(ALK):c.98C>G (p.Ala33Gly)

Gene: ALK (ALK receptor tyrosine kinase; minus strand). Cytogenetic location: 2p23.1.
Variant type: single nucleotide variant.
Coding change: c.98C>G on transcript NM_004304.5 (MANE Select); coding-DNA position 98, C replaced by G.
Protein change: p.Ala33Gly; replaces alanine 33 with glycine.
Molecular consequence: missense variant.
Genome position (GRCh38, 1-based): chr2:29,920,562, G>C on the plus strand (C>G on the coding strand, the complement: ALK is on the minus strand). VCF-style: chr2-29920562-G-C. GRCh37 (hg19) VCF-style: chr2-30143428-G-C.
Other names: short protein forms A33G.
Identifiers: ClinVar variation 960961 (VCV000960961.9), dbSNP rs1037134870, ClinGen allele CA45004785.

ClinVar aggregate classification (germline): Uncertain significance (1 of 4 stars; one submission).

Conditions:
Neuroblastoma, susceptibility to, 3. Also called: ALK-Related Neuroblastic Tumor Susceptibility. Identifiers: Orphanet 635, MedGen C2751681, MONDO:0013083, OMIM 613014.

Allele frequency attached by ClinVar (database versions not stated): gnomAD exomes below 0.00001; TOPMed below 0.00001.
gnomAD v4.1: 2 of 1,598,580 alleles (0.00013%); highest among the groups gnomAD compares: Non-Finnish European, 0.00017%; no homozygotes.

Submission:

Labcorp Genetics (formerly Invitae), Labcorp
Classification: Uncertain significance for Neuroblastoma, susceptibility to, 3. Last evaluated: 2025-07-06. Review status: criteria provided, single submitter. Criteria: Invitae Variant Classification Sherloc (09022015). Collection method: clinical testing. Allele origin: germline.
Comment: This sequence change replaces alanine, which is neutral and non-polar, with glycine, which is neutral and non-polar, at codon 33 of the ALK protein (p.Ala33Gly). This variant is not present in population databases (gnomAD no frequency). This variant has not been reported in the literature in individuals affected with ALK-related conditions. ClinVar contains an entry for this variant (Variation ID: 960961). An algorithm developed to predict the effect of missense changes on protein structure and function (PolyPhen-2) suggests that this variant is likely to be tolerated. In summary, the available evidence is currently insufficient to determine the role of this variant in disease. Therefore, it has been classified as a Variant of Uncertain Significance.